The following is an entry in ClinVar:

NM_006904.7(PRKDC):c.4964T>C (p.Ile1655Thr)

Gene: PRKDC (protein kinase, DNA-activated, catalytic subunit; minus strand). Cytogenetic location: 8q11.21.
Variant type: single nucleotide variant.
Coding change: c.4964T>C on transcript NM_006904.7 (MANE Select); coding-DNA position 4964, T replaced by C.
Protein change: p.Ile1655Thr; replaces isoleucine 1655 with threonine.
Molecular consequence: missense variant.
Genome position (GRCh38, 1-based): chr8:47,881,519, A>G on the plus strand (T>C on the coding strand, the complement: PRKDC is on the minus strand). VCF-style: chr8-47881519-A-G. GRCh37 (hg19) VCF-style: chr8-48794080-A-G.
Other names: c.4964T>C, p.Ile1655Thr (NM_001081640.2); short protein forms I1655T.
Identifiers: ClinVar variation 2041997 (VCV002041997.6), dbSNP rs1382269413, ClinGen allele CA371140098.

ClinVar aggregate classification (germline): Uncertain significance. Review status: criteria provided, multiple submitters, no conflicts (2 of 4 stars). 2 submissions from 2 submitters: Uncertain significance (2). Last evaluated 2022-11-25.

Conditions:
Severe combined immunodeficiency due to DNA-PKcs deficiency. Also called: IMMUNODEFICIENCY 26 WITH NEUROLOGIC ABNORMALITIES; Immunodeficiency 26 with or without neurologic abnormalities. Identifiers: Orphanet 317425, MedGen C4014833, MONDO:0014423, OMIM 615966.

gnomAD v4.1: 2 of 1,462,818 alleles (0.00014%); highest among the groups gnomAD compares: South Asian, 0.0013%; no homozygotes.

Submissions (2):

Ambry Genetics
Classification: Uncertain significance. Last evaluated: 2022-11-25. Review status: criteria provided, single submitter. Criteria: Ambry Variant Classification Scheme 2023. Collection method: clinical testing. Allele origin: germline.
Comment: The p.I1655T variant (also known as c.4964T>C), located in coding exon 38 of the PRKDC gene, results from a T to C substitution at nucleotide position 4964. The isoleucine at codon 1655 is replaced by threonine, an amino acid with similar properties. This amino acid position is conserved. Since supporting evidence is limited at this time, the clinical significance of this alteration remains unclear.

Labcorp Genetics (formerly Invitae), Labcorp
Classification: Uncertain significance for Severe combined immunodeficiency due to DNA-PKcs deficiency. Last evaluated: 2022-06-01. Review status: criteria provided, single submitter. Criteria: Invitae Variant Classification Sherloc (09022015). Collection method: clinical testing. Allele origin: germline.
Comment: In summary, the available evidence is currently insufficient to determine the role of this variant in disease. Therefore, it has been classified as a Variant of Uncertain Significance. This sequence change replaces isoleucine, which is neutral and non-polar, with threonine, which is neutral and polar, at codon 1655 of the PRKDC protein (p.Ile1655Thr). This variant is present in population databases (no rsID available, gnomAD 0.005%). This variant has not been reported in the literature in individuals affected with PRKDC-related conditions. Experimental studies and prediction algorithms are not available or were not evaluated, and the functional significance of this variant is currently unknown.